The following is an entry in ClinVar:

NM_198428.3(BBS9):c.306_325dup (p.Ser109fs)

Gene: BBS9 (Bardet-Biedl syndrome 9; plus strand). Cytogenetic location: 7p14.3.
Variant type: Duplication.
Coding change: c.306_325dup on transcript NM_198428.3 (MANE Select); coding-DNA positions 306 to 325, 20 bases duplicated (ACTTTGTGTCTACTCTGTCT).
Protein change: p.Ser109fs; shifts the reading frame from serine 109.
Molecular consequence: frameshift variant. On other transcripts: non-coding transcript variant (3), intron variant (4).
Genome position (GRCh38, 1-based): chr7:33,155,680-33,155,699, ACTTTGTGTCTACTCTGTCT duplicated. VCF-style (leftmost placement, unchanged base first): chr7-33155679-A-AACTTTGTGTCTACTCTGTCT. GRCh37 (hg19) VCF-style: chr7-33195291-A-AACTTTGTGTCTACTCTGTCT.
Other names: c.306_325dup, p.Ser109fs (NM_001033604.2, NM_001033605.2, NM_001348036.1 and 5 more transcripts); c.33_52dup, p.Ser18fs (NM_001348038.3, NM_001348039.3); c.171_190dup, p.Ser64fs (NM_001348042.3); c.-39+2829_-39+2848dup (NM_001348037.3, NM_001348045.3); c.-38-21798_-38-21779dup (NM_001348046.3, NM_001348044.3); short protein forms S18fs, S64fs, S109fs.
Identifiers: ClinVar variation 4994531 (VCV004994531.1).

ClinVar aggregate classification (germline): Likely pathogenic (1 of 4 stars; one submission).

Conditions:
BBS9-related disorder. Also called: BBS9-related condition.

Submission:

PreventionGenetics, part of Exact Sciences
Classification: Likely pathogenic for BBS9-related condition. Last evaluated: 2026-06-30. Review status: criteria provided, single submitter. Criteria: ACMG Guidelines, 2015. Collection method: clinical testing. Allele origin: germline.
Comment: The BBS9 c.306_325dup20 variant is predicted to result in a frameshift and premature protein termination (p.Ser109Tyrfs*22). To our knowledge, this variant has not been reported in the literature or in a large population database (gnomAD), indicating this variant is rare. Frameshift variants in BBS9 are expected to be pathogenic. This variant is interpreted as likely pathogenic.